The following is an entry in ClinVar:

NM_005477.3(HCN4):c.2556G>A (p.Pro852=)

Gene: HCN4 (hyperpolarization activated cyclic nucleotide gated potassium channel 4; minus strand). Cytogenetic location: 15q24.1.
Variant type: single nucleotide variant.
Coding change: c.2556G>A on transcript NM_005477.3 (MANE Select); coding-DNA position 2556, G replaced by A.
Protein change: p.Pro852=; no amino-acid change (proline 852 retained).
Molecular consequence: synonymous variant.
Genome position (GRCh38, 1-based): chr15:73,323,537, C>T on the plus strand (G>A on the coding strand, the complement: HCN4 is on the minus strand). VCF-style: chr15-73323537-C-T. GRCh37 (hg19) VCF-style: chr15-73615878-C-T.
Other names: p.P852P:CCG>CCA; p.Pro852=.
Identifiers: ClinVar variation 95284 (VCV000095284.32), dbSNP rs117819825, ClinGen allele CA148386.

ClinVar aggregate classification (germline): Benign. Review status: criteria provided, multiple submitters, no conflicts (2 of 4 stars). 14 submissions from 14 submitters: Benign (11). 3 of the submissions do not count toward it. Last evaluated 2026-02-04.

Conditions:
Cardiovascular phenotype. Identifiers: MedGen CN230736.
Sick sinus syndrome 2, autosomal dominant (SSS2). Also called: SINUS BRADYCARDIA SYNDROME, FAMILIAL, AUTOSOMAL DOMINANT; SINUS NODE DISEASE, FAMILIAL, AUTOSOMAL DOMINANT; ATRIAL FIBRILLATION WITH BRADYARRHYTHMIA; SICK SINUS SYNDROME 2; SICK SINUS SYNDROME 2 WITH OR WITHOUT CARDIAC NONCOMPACTION AND/OR ASCENDING AORTA DILATION. Identifiers: Orphanet 166282, MedGen C1834144, MONDO:0008102, OMIM 163800.
Brugada syndrome 8 (BRGDA8). Identifiers: Orphanet 130, MedGen C2751083, MONDO:0013148, OMIM 613123.

Allele frequency attached by ClinVar (database versions not stated): 1000 Genomes Project 30x 0.02920; 1000 Genomes Project 0.02756; ESP Exome Variant Server 0.03621; TOPMed 0.03662; ExAC 0.04574; gnomAD exomes 0.04888.
gnomAD v4.1: 72,446 of 1,601,002 alleles (4.5%); highest among the groups gnomAD compares: Admixed American, 9.8%; 1,989 homozygotes.

Submissions (14):

Labcorp Genetics (formerly Invitae), Labcorp
Classification: Benign for Brugada syndrome 8. Last evaluated: 2026-02-04. Review status: criteria provided, single submitter. Criteria: Invitae Variant Classification Sherloc (09022015). Collection method: clinical testing. Allele origin: germline.

Molecular Diagnostic Laboratory for Inherited Cardiovascular Disease, Montreal Heart Institute
Classification: Benign. Last evaluated: 2025-04-09. Review status: criteria provided, single submitter. Criteria: ACMG Guidelines, 2015. Collection method: clinical testing. Allele origin: germline. Affected: no.

Blueprint Genetics
Classification: Benign. Last evaluated: 2024-11-27. Review status: criteria provided, single submitter. Criteria: ACMG Guidelines, 2015. Collection method: clinical testing. Allele origin: germline.

Women's Health and Genetics/Laboratory Corporation of America, LabCorp
Classification: Benign. Last evaluated: 2023-04-04. Review status: criteria provided, single submitter. Criteria: LabCorp Variant Classification Summary - May 2015. Collection method: clinical testing. Allele origin: germline.

Mayo Clinic Laboratories, Mayo Clinic
Classification: Benign. Last evaluated: 2022-04-26. Review status: criteria provided, single submitter. Criteria: ACMG Guidelines, 2015. Collection method: clinical testing. Allele origin: germline. Observed: 83 variant alleles.

Illumina Laboratory Services, Illumina
Classification: Benign for Sick sinus syndrome 2, autosomal dominant. Last evaluated: 2018-01-13. Review status: criteria provided, single submitter. Criteria: ICSL Variant Classification Criteria 13 December 2019. Collection method: clinical testing. Allele origin: germline.
Comment: This variant was observed in the ICSL laboratory as part of a predisposition screen in an ostensibly healthy population. It had not been previously curated by ICSL or reported in the Human Gene Mutation Database (HGMD: prior to June 1st, 2018), and was therefore a candidate for classification through an automated scoring system. Utilizing variant allele frequency, disease prevalence and penetrance estimates, and inheritance mode, an automated score was calculated to assess if this variant is too frequent to cause the disease. Based on the score and internal cut-off values, a variant classified as benign is not then subjected to further curation. The score for this variant resulted in a classification of benign for this disease.

Ambry Genetics
Classification: Benign for Cardiovascular phenotype. Last evaluated: 2015-06-19. Review status: criteria provided, single submitter. Criteria: Ambry Variant Classification Scheme 2023. Collection method: clinical testing. Allele origin: germline.

GeneDx
Classification: Benign. Last evaluated: 2014-01-16. Review status: criteria provided, single submitter. Criteria: GeneDx Variant Classification (06012015). Collection method: clinical testing. Allele origin: germline. Affected: yes.
Comment: This variant is considered likely benign or benign based on one or more of the following criteria: it is a conservative change, it occurs at a poorly conserved position in the protein, it is predicted to be benign by multiple in silico algorithms, and/or has population frequency not consistent with disease.

Eurofins Ntd Llc (ga)
Classification: Benign. Last evaluated: 2013-07-05. Review status: criteria provided, single submitter. Criteria: EGL Classification Definitions 2015. Collection method: clinical testing. Allele origin: germline. Observed: 4 variant alleles, 4 heterozygotes.

Breakthrough Genomics
Classification: Benign. Review status: criteria provided, single submitter. Criteria: ACMG Guidelines, 2015. Collection method: not provided. Allele origin: germline. Inheritance: Autosomal dominant inheritance. Affected: yes.

PreventionGenetics, part of Exact Sciences
Classification: Benign. Review status: criteria provided, single submitter. Criteria: ACMG Guidelines, 2015. Collection method: clinical testing. Allele origin: germline.

Clinical Genetics, Academic Medical Center
Classification: Benign. Review status: no assertion criteria provided. Collection method: clinical testing. Allele origin: germline. Affected: yes. Study: VKGL Data-share Consensus. Not counted in ClinVar's aggregate classification.

Genome Diagnostics Laboratory, University Medical Center Utrecht
Classification: Benign. Review status: no assertion criteria provided. Collection method: clinical testing. Allele origin: germline. Affected: yes. Study: VKGL Data-share Consensus. Not counted in ClinVar's aggregate classification.

Joint Genome Diagnostic Labs from Nijmegen and Maastricht, Radboudumc and MUMC+
Classification: Benign. Review status: no assertion criteria provided. Collection method: clinical testing. Allele origin: germline. Affected: yes. Study: VKGL Data-share Consensus. Not counted in ClinVar's aggregate classification.